The following is an entry in ClinVar:

ClinVar aggregate classification (germline): Uncertain significance (1 of 4 stars; one submission).

Submission:

Ambry Genetics
Classification: Uncertain significance. Last evaluated: 2023-12-29. Review status: criteria provided, single submitter. Criteria: Ambry Variant Classification Scheme 2023. Collection method: clinical testing. Allele origin: germline.
Comment: The p.M402V variant (also known as c.1204A>G), located in coding exon 11 of the ILK gene, results from an A to G substitution at nucleotide position 1204. The methionine at codon 402 is replaced by valine, an amino acid with highly similar properties. This amino acid position is conserved. In addition, this alteration is predicted to be deleterious by in silico analysis. Since supporting evidence is limited at this time, the clinical significance of this alteration remains unclear.

NM_004517.4(ILK):c.1204A>G (p.Met402Val)

Genes: ILK (integrin linked kinase; plus strand), TAF10 (TATA-box binding protein associated factor 10; minus strand). Cytogenetic location: 11p15.4.
Variant type: single nucleotide variant.
Coding change: c.1204A>G on transcript NM_004517.4 (MANE Select); coding-DNA position 1204, A replaced by G.
Protein change: p.Met402Val; replaces methionine 402 with valine.
Molecular consequence: missense variant. On other transcripts: 3 prime UTR variant (1).
Genome position (GRCh38, 1-based): chr11:6,610,273, A>G. VCF-style: chr11-6610273-A-G. GRCh37 (hg19) VCF-style: chr11-6631504-A-G.
Other names: c.1204A>G, p.Met402Val (NM_001014794.3, NM_001014795.3); c.1021A>G, p.Met341Val (NM_001278441.2); c.802A>G, p.Met268Val (NM_001278442.2); c.*649T>C (NM_006284.4); short protein forms M268V, M341V, M402V.
Identifiers: ClinVar variation 3224303 (VCV003224303.1), dbSNP rs2493780031, ClinGen allele CA379467628.